The following is an entry in ClinVar:

NM_020297.4(ABCC9):c.3020T>C (p.Val1007Ala)

Gene: ABCC9 (ATP binding cassette subfamily C member 9; minus strand). Cytogenetic location: 12p12.1.
Variant type: single nucleotide variant.
Coding change: c.3020T>C on transcript NM_020297.4 (MANE Select); coding-DNA position 3020, T replaced by C.
Protein change: p.Val1007Ala; replaces valine 1007 with alanine.
Molecular consequence: missense variant.
Genome position (GRCh38, 1-based): chr12:21,845,679, A>G on the plus strand (T>C on the coding strand, the complement: ABCC9 is on the minus strand). VCF-style: chr12-21845679-A-G. GRCh37 (hg19) VCF-style: chr12-21998613-A-G.
Other names: c.3020T>C, p.Val1007Ala (NM_001377273.1, NM_005691.4); c.2153T>C, p.Val718Ala (NM_001377274.1); short protein forms V1007A, V718A.
Identifiers: ClinVar variation 3372357 (VCV003372357.3).

ClinVar aggregate classification (germline): Uncertain significance. Review status: criteria provided, multiple submitters, no conflicts (2 of 4 stars). 2 submissions from 2 submitters: Uncertain significance (2). Last evaluated 2024-06-17.

Submissions (2):

Dasa
Classification: Uncertain significance. Last evaluated: 2024-06-17. Review status: criteria provided, single submitter. Criteria: DASA Assertion Criteria. Collection method: clinical testing. Allele origin: germline.
Comment: NM_020297.4(ABCC9):c.3020T>C (p.Val1007Ala) is a missense variant that results in the substitution of valine with alanine. This variant is rare in population databases. Computational prediction algorithms are consistent with a benign effect. The currently available literature and clinical evidence are not sufficient to establish a definitive association between this variant and the reported condition. Therefore, this variant is classified as a variant of uncertain significance.

GeneDx
Classification: Uncertain significance. Last evaluated: 2024-04-11. Review status: criteria provided, single submitter. Criteria: GeneDx Variant Classification Process June 2021. Collection method: clinical testing. Allele origin: germline. Affected: yes.
Comment: Has not been previously published as pathogenic or benign to our knowledge; Not observed at significant frequency in large population cohorts (gnomAD); In silico analysis indicates that this missense variant does not alter protein structure/function